The following is an entry in ClinVar:

ClinVar aggregate classification (germline): Pathogenic (1 of 4 stars; one submission).

Submission:

Labcorp Genetics (formerly Invitae), Labcorp
Classification: Pathogenic. Last evaluated: 2023-05-11. Review status: criteria provided, single submitter. Criteria: Invitae Variant Classification Sherloc (09022015). Collection method: clinical testing. Allele origin: germline.
Comment: For these reasons, this variant has been classified as Pathogenic. This variant has not been reported in the literature in individuals affected with COL9A2-related conditions. This variant is not present in population databases (gnomAD no frequency). This sequence change creates a premature translational stop signal (p.Asp527Glyfs*79) in the COL9A2 gene. It is expected to result in an absent or disrupted protein product. Loss-of-function variants in COL9A2 are known to be pathogenic (PMID: 21671392, 33356723).

Literature cited by the submitters: PubMed 21671392; PubMed 33356723.

NM_001852.4(COL9A2):c.1577dup (p.Asp527fs)

Gene: COL9A2 (collagen type IX alpha 2 chain; minus strand). Cytogenetic location: 1p34.2.
Variant type: Duplication.
Coding change: c.1577dup on transcript NM_001852.4 (MANE Select); coding-DNA position 1577, one base duplicated (T; older notation c.1577dupT).
Protein change: p.Asp527fs; shifts the reading frame from aspartic acid 527.
Molecular consequence: frameshift variant.
Genome position (GRCh38, 1-based): chr1:40,303,157, A duplicated on the plus strand (T on the coding strand, the reverse complement: COL9A2 is on the minus strand). VCF-style (leftmost placement, unchanged base first): chr1-40303156-C-CA. GRCh37 (hg19) VCF-style: chr1-40768828-C-CA.
Other names: short protein forms D527fs.
Identifiers: ClinVar variation 2967466 (VCV002967466.3), dbSNP rs2522483565, ClinGen allele CA2740090640.
Genomic context (GRCh38, chr1:40,303,156, plus strand): 5'-CGAACTGACTGTGAGGAGGGGTTGCTGCCCCTCACCTTGCAGCATCTTCAGCGCCACATC[C>CA]ACGATGTGCTGGTCAGTGGCATCCCGGCCCTGAAAGCAGAGGCCTTTCAGGAAGAAGCCC-3'